The following is an entry in ClinVar:

ClinVar aggregate classification (germline): Uncertain significance (1 of 4 stars; one submission).

Submission:

GeneDx
Classification: Uncertain significance. Last evaluated: 2023-05-20. Review status: criteria provided, single submitter. Criteria: GeneDx Variant Classification Process June 2021. Collection method: clinical testing. Allele origin: germline. Affected: yes.
Comment: Not observed at significant frequency in large population cohorts (gnomAD); In silico analysis supports that this missense variant has a deleterious effect on protein structure/function; Has not been previously published as pathogenic or benign to our knowledge

NM_001190274.2(FBXO11):c.884A>G (p.Tyr295Cys)

Gene: FBXO11 (F-box protein 11; minus strand). Cytogenetic location: 2p16.3.
Variant type: single nucleotide variant.
Coding change: c.884A>G on transcript NM_001190274.2 (MANE Select); coding-DNA position 884, A replaced by G.
Protein change: p.Tyr295Cys; replaces tyrosine 295 with cysteine.
Molecular consequence: missense variant.
Genome position (GRCh38, 1-based): chr2:47,834,629, T>C on the plus strand (A>G on the coding strand, the complement: FBXO11 is on the minus strand). VCF-style: chr2-47834629-T-C. GRCh37 (hg19) VCF-style: chr2-48061768-T-C.
Other names: c.632A>G, p.Tyr211Cys (NM_001374325.1, NM_025133.4); short protein forms Y211C, Y295C.
Identifiers: ClinVar variation 3343691 (VCV003343691.1).